The following is an entry in ClinVar:

NM_001609.4(ACADSB):c.1128+2dup

Gene: ACADSB (acyl-CoA dehydrogenase short/branched chain; plus strand). Cytogenetic location: 10q26.13.
Variant type: Duplication.
Coding change: c.1128+2dup on transcript NM_001609.4 (MANE Select); the canonical splice donor site of the intron after coding-DNA position 1128, one base duplicated (T; older notation c.1128+2dupT).
Molecular consequence: splice donor variant.
Genome position (GRCh38, 1-based): chr10:123,051,188, T duplicated. VCF-style (leftmost placement, unchanged base first): chr10-123051187-G-GT. GRCh37 (hg19) VCF-style: chr10-124810703-G-GT.
Other names: c.822+2dup (NM_001330174.3).
Identifiers: ClinVar variation 1024373 (VCV001024373.6), dbSNP rs762666946, ClinGen allele CA5730915.

ClinVar aggregate classification (germline): Uncertain significance (1 of 4 stars; one submission).

Conditions:
Deficiency of 2-methylbutyryl-CoA dehydrogenase (ACADSB). Also called: 2-methylbutyryl-CoA dehydrogenase deficiency; SBCAD deficiency; 2-methylbutyric aciduria; Short branched-chain acyl-CoA dehydrogenase deficiency; 2-methylbutyrylglycinuria. Identifiers: Orphanet 79157, MedGen C1864912, MONDO:0012392, OMIM 610006, HP:0020147.

Allele frequency attached by ClinVar (database versions not stated): ExAC below 0.00001; gnomAD exomes 0.00001 and 0.00005; gnomAD 0.00016.

Submission:

Labcorp Genetics (formerly Invitae), Labcorp
Classification: Uncertain significance for Deficiency of 2-methylbutyryl-CoA dehydrogenase. Last evaluated: 2020-10-05. Review status: criteria provided, single submitter. Criteria: Invitae Variant Classification Sherloc (09022015). Collection method: clinical testing. Allele origin: germline.
Comment: Nucleotide substitutions within the consensus splice site are a relatively common cause of aberrant splicing (PMID: 17576681, 9536098). Algorithms developed to predict the effect of sequence changes on RNA splicing suggest that this variant may disrupt the consensus splice site, but this prediction has not been confirmed by published transcriptional studies. In summary, the available evidence is currently insufficient to determine the role of this variant in disease. Therefore, it has been classified as a Variant of Uncertain Significance. This variant has not been reported in the literature in individuals with ACADSB-related conditions. The frequency data for this variant in the population databases is considered unreliable, as metrics indicate poor data quality at this position in the ExAC database. This sequence change falls in intron 9 of the ACADSB gene. It does not directly change the encoded amino acid sequence of the ACADSB protein, but it affects a nucleotide within the consensus splice site of the intron.

Literature cited by the submitters: PubMed 17576681; PubMed 9536098.